The following is an entry in ClinVar:

ClinVar aggregate classification (germline): Benign. Review status: criteria provided, single submitter (1 of 4 stars). 3 submissions from 3 submitters: Benign (1). 2 of the submissions do not count toward it. Last evaluated 2023-04-17.

Conditions:
SOD3-related disorder. Also called: SOD3-related condition.
SUPEROXIDE DISMUTASE, ELEVATED EXTRACELLULAR. Identifiers: MedGen C3891298.

Allele frequency attached by ClinVar (database versions not stated): 1000 Genomes Project 30x 0.02389; ExAC 0.10902; gnomAD 0.01087 and 0.01270; 1000 Genomes Project 0.02396; TOPMed 0.01092; gnomAD exomes 0.02251.
gnomAD v4.1: 22,076 of 1,431,336 alleles (1.5%); highest among the groups gnomAD compares: South Asian, 5.7%; 312 homozygotes.

Submissions (3):

Department of Pathology and Laboratory Medicine, Sinai Health System
Classification: Benign for SOD3-related disorder. Last evaluated: 2023-04-17. Review status: criteria provided, single submitter. Criteria: ACMG Guidelines, 2015. Collection method: research. Allele origin: germline.

PreventionGenetics, part of Exact Sciences
Classification: Likely benign for SOD3-related condition. Last evaluated: 2023-01-05. Review status: no assertion criteria provided. Collection method: clinical testing. Allele origin: germline. Not counted in ClinVar's aggregate classification.
Comment: This variant is classified as likely benign based on ACMG/AMP sequence variant interpretation guidelines (Richards et al. 2015 PMID: 25741868, with internal and published modifications).

OMIM
Classification: Pathogenic for SUPEROXIDE DISMUTASE, ELEVATED EXTRACELLULAR. Last evaluated: 2004-01-06. Review status: no assertion criteria provided. Collection method: literature only. Allele origin: germline. Not counted in ClinVar's aggregate classification.

Literature cited by the submitters: PubMed 8034674 (cited by OMIM); PubMed 7662997 (cited by OMIM); PubMed 14662715 (cited by OMIM).

NM_003102.4(SOD3):c.691C>G (p.Arg231Gly)

Gene: SOD3 (superoxide dismutase 3; plus strand). Cytogenetic location: 4p15.2.
Variant type: single nucleotide variant.
Coding change: c.691C>G on transcript NM_003102.4 (MANE Select); coding-DNA position 691, C replaced by G.
Protein change: p.Arg231Gly; replaces arginine 231 with glycine.
Molecular consequence: missense variant.
Genome position (GRCh38, 1-based): chr4:24,800,212, C>G. VCF-style: chr4-24800212-C-G. GRCh37 (hg19) VCF-style: chr4-24801834-C-G.
Other names: R213G; c.691C>G (NM_003102.2); short protein forms R231G.
Identifiers: ClinVar variation 12777 (VCV000012777.4), dbSNP rs1799895, ClinGen allele CA122703.